The following is an entry in ClinVar:

ClinVar aggregate classification (germline): Likely benign (1 of 4 stars; one submission).

Submission:

CeGaT Center for Human Genetics Tuebingen
Classification: Likely benign. Last evaluated: 2026-06-01. Review status: criteria provided, single submitter. Criteria: CeGaT Center For Human Genetics Tuebingen Variant Classification Criteria Version 2. Collection method: clinical testing. Allele origin: germline. Affected: yes. Observed: 1 variant allele.
Comment: NPIPB11: BP4

NM_001310137.5(NPIPB11):c.1533G>T (p.Ala511=)

Gene: NPIPB11 (nuclear pore complex interacting protein family member B11). Cytogenetic location: 16p11.2.
Variant type: single nucleotide variant.
Coding change: c.1533G>T on transcript NM_001310137.5 (MANE Select); coding-DNA position 1533, G replaced by T.
Protein change: p.Ala511=; no amino-acid change (alanine 511 retained).
Molecular consequence: synonymous variant.
Genome position (GRCh38, 1-based): chr16:29,383,399, C>A on the plus strand (G>T on the coding strand, the complement: NPIPB11 is on the minus strand). VCF-style: chr16-29383399-C-A. GRCh37 (hg19) VCF-style: chr16-29394720-C-A.
Identifiers: ClinVar variation 4872678 (VCV004872678.2).